The following is an entry in ClinVar:

ClinVar aggregate classification (germline): Conflicting classifications of pathogenicity. Review status: criteria provided, conflicting classifications (1 of 4 stars). 9 submissions from 9 submitters: Pathogenic (1); Likely pathogenic (6); Uncertain significance (1). 1 of the submissions does not count toward it. Last evaluated 2025-04-21.

Conditions:
Glycogen storage disease, type V (GSD5). Also called: MCARDLE DISEASE; MUSCLE GLYCOGEN PHOSPHORYLASE DEFICIENCY; MYOPHOSPHORYLASE DEFICIENCY; PYGM DEFICIENCY; McArdle type glycogen storage disease. Identifiers: Orphanet 368, MedGen C0017924, MONDO:0009293, OMIM 232600.

Allele frequency attached by ClinVar (database versions not stated): gnomAD 0.00003.
gnomAD v4.1: 28 of 1,613,854 alleles (0.0017%); highest among the groups gnomAD compares: Middle Eastern, 0.016%; no homozygotes.

Submissions (9):

Natera, Inc.
Classification: Likely pathogenic for Glycogen storage disease V. Last evaluated: 2025-04-21. Review status: criteria provided, single submitter. Criteria: Natera Variant Classification Schema (03/2026). Collection method: clinical testing. Allele origin: germline.
Comment: The c.2143C>T variant in PYGM is a missense variant predicted to cause substitution of arginine to tryptophan at amino acid 715. This variant is rare in the general population with a frequency below the threshold expected for the associated phenotype(s). This variant has been observed in one or more individuals affected with the associated recessive disease, as either homozygous or compound heterozygous with a second variant (PMID: 17324573, 22250184). Computational prediction algorithms indicate this variant is likely to affect gene or protein function. Given the available evidence, this variant is classified as Likely Pathogenic.

Mayo Clinic Laboratories, Mayo Clinic
Classification: Likely pathogenic. Last evaluated: 2025-02-28. Review status: criteria provided, single submitter. Criteria: ACMG Guidelines, 2015. Collection method: clinical testing. Allele origin: germline. Observed: 1 variant allele.
Comment: PP3_moderate, PM2_supporting, PM3_strong

GeneDx
Classification: Likely pathogenic. Last evaluated: 2024-06-11. Review status: criteria provided, single submitter. Criteria: GeneDx Variant Classification Process June 2021. Collection method: clinical testing. Allele origin: germline. Affected: yes.
Comment: Not observed at significant frequency in large population cohorts (gnomAD); In silico analysis supports a deleterious effect on splicing; In silico analysis supports that this missense variant has a deleterious effect on protein structure/function; This variant is associated with the following publications: (PMID: 31589614, 36890159, 33234167, 32153140, 17324573, 18808785, 22250184, 29143597)

Fulgent Genetics
Classification: Likely pathogenic for Glycogen storage disease, type V. Last evaluated: 2024-05-30. Review status: criteria provided, single submitter. Criteria: ACMG Guidelines, 2015. Collection method: clinical testing. Allele origin: germline.

Labcorp Genetics (formerly Invitae), Labcorp
Classification: Likely pathogenic for Glycogen storage disease, type V. Last evaluated: 2024-03-14. Review status: criteria provided, single submitter. Criteria: Invitae Variant Classification Sherloc (09022015). Collection method: clinical testing. Allele origin: germline.
Comment: This sequence change replaces arginine, which is basic and polar, with tryptophan, which is neutral and slightly polar, at codon 715 of the PYGM protein (p.Arg715Trp). This variant is present in population databases (no rsID available, gnomAD 0.008%). This missense change has been observed in individual(s) with McArdle disease (PMID: 17324573, 22250184; Invitae). ClinVar contains an entry for this variant (Variation ID: 555145). Advanced modeling of protein sequence and biophysical properties (such as structural, functional, and spatial information, amino acid conservation, physicochemical variation, residue mobility, and thermodynamic stability) has been performed at Invitae for this missense variant, however the output from this modeling did not meet the statistical confidence thresholds required to predict the impact of this variant on PYGM protein function. Algorithms developed to predict the effect of sequence changes on RNA splicing suggest that this variant may disrupt the consensus splice site. In summary, the currently available evidence indicates that the variant is pathogenic, but additional data are needed to prove that conclusively. Therefore, this variant has been classified as Likely Pathogenic.

Baylor Genetics
Classification: Pathogenic for Glycogen storage disease, type V. Last evaluated: 2023-10-30. Review status: criteria provided, single submitter. Criteria: ACMG Guidelines, 2015. Collection method: clinical testing. Allele origin: unknown.

Revvity Omics, Revvity
Classification: Uncertain significance for Glycogen storage disease, type V. Last evaluated: 2023-05-17. Review status: criteria provided, single submitter. Criteria: ACMG Guidelines, 2015. Collection method: clinical testing. Allele origin: germline.

Women's Health and Genetics/Laboratory Corporation of America, LabCorp
Classification: Likely pathogenic for Glycogen storage disease, type V. Last evaluated: 2022-01-04. Review status: criteria provided, single submitter. Criteria: LabCorp Variant Classification Summary - May 2015. Collection method: clinical testing. Allele origin: germline.
Comment: Variant summary: PYGM c.2143C>T (p.Arg715Trp) results in a non-conservative amino acid change in the encoded protein sequence. Five of five in-silico tools predict a damaging effect of the variant on protein function. The variant allele was found at a frequency of 8e-06 in 251478 control chromosomes. c.2143C>T has been reported in the literature as a compound heterozygous genotype in individuals affected with Glycogen Storage Disease, Type V (McArdle disease or myophosphorylase deficiency) (example, Aquaron_2007, Lucia_2012). These data indicate that the variant is likely to be associated with disease. To our knowledge, no experimental evidence demonstrating an impact on protein function has been reported. One clinical diagnostic laboratory has submitted clinical-significance assessments for this variant to ClinVar after 2014 and classified the variant as likely pathogenic. Based on the evidence outlined above, the variant was classified as likely pathogenic.

Counsyl
Classification: Likely pathogenic for Glycogen storage disease, type V. Last evaluated: 2017-11-17. Review status: no assertion criteria provided. Collection method: clinical testing. Allele origin: unknown. Not counted in ClinVar's aggregate classification.

Literature cited by the submitters: PubMed 17324573 (cited by 5 submitters); PubMed 22250184 (cited by 5 submitters); PubMed 29143597 (cited by Mayo Clinic Laboratories, Mayo Clinic and Women's Health and Genetics/Laboratory Corporation of America, LabCorp).

NM_005609.4(PYGM):c.2143C>T (p.Arg715Trp)

Gene: PYGM (glycogen phosphorylase, muscle associated; minus strand). Cytogenetic location: 11q13.1.
Variant type: single nucleotide variant.
Coding change: c.2143C>T on transcript NM_005609.4 (MANE Select); coding-DNA position 2143, C replaced by T.
Protein change: p.Arg715Trp; replaces arginine 715 with tryptophan.
Molecular consequence: missense variant.
Genome position (GRCh38, 1-based): chr11:64,750,410, G>A on the plus strand (C>T on the coding strand, the complement: PYGM is on the minus strand). VCF-style: chr11-64750410-G-A. GRCh37 (hg19) VCF-style: chr11-64517882-G-A.
Other names: p.Arg715Trp; c.1879C>T, p.Arg627Trp (NM_001164716.1); short protein forms R715W, R627W.
Identifiers: ClinVar variation 555145 (VCV000555145.18), dbSNP rs780656375, ClinGen allele CA381167557.